The following is an entry in ClinVar:

NM_000372.5(TYR):c.157G>C (p.Gly53Arg)

Gene: TYR (tyrosinase; plus strand). Cytogenetic location: 11q14.3.
Variant type: single nucleotide variant.
Coding change: c.157G>C on transcript NM_000372.5 (MANE Select); coding-DNA position 157, G replaced by C.
Protein change: p.Gly53Arg; replaces glycine 53 with arginine.
Molecular consequence: missense variant.
Genome position (GRCh38, 1-based): chr11:89,178,110, G>C. VCF-style: chr11-89178110-G-C. GRCh37 (hg19) VCF-style: chr11-88911278-G-C.
Other names: short protein forms G53R.
Identifiers: ClinVar variation 1339219 (VCV001339219.10), dbSNP rs1591133731, ClinGen allele CA382033589.

ClinVar aggregate classification (germline): Conflicting classifications of pathogenicity. Review status: criteria provided, conflicting classifications (1 of 4 stars). 2 submissions from 2 submitters: Likely pathogenic (1); Uncertain significance (1). Last evaluated 2021-06-05.

Conditions:
Oculocutaneous albinism type 1A (OCA1A). Also called: Albinism, oculocutaneous, type IA. Identifiers: Orphanet 352731, Orphanet 79431, MedGen C4551504, MONDO:0008745, OMIM 203100. Disease mechanism: loss of function.

Submissions (2):

Labcorp Genetics (formerly Invitae), Labcorp
Classification: Likely pathogenic. Last evaluated: 2021-06-05. Review status: criteria provided, single submitter. Criteria: Invitae Variant Classification Sherloc (09022015). Collection method: clinical testing. Allele origin: germline.
Comment: This variant has been observed in individual(s) with oculocutaneous albinism (PMID: 29345414, Invitae). In at least one individual the data is consistent with the variant being in trans (on the opposite chromosome) from a pathogenic variant. Advanced modeling of protein sequence and biophysical properties (such as structural, functional, and spatial information, amino acid conservation, physicochemical variation, residue mobility, and thermodynamic stability) performed at Invitae indicates that this missense variant is expected to disrupt TYR protein function. This variant disrupts the p.Gly53 amino acid residue in TYR. Other variant(s) that disrupt this residue have been observed in individuals with TYR-related conditions (PMID: 31229681), which suggests that this may be a clinically significant amino acid residue. In summary, the currently available evidence indicates that the variant is pathogenic, but additional data are needed to prove that conclusively. Therefore, this variant has been classified as Likely Pathogenic. This sequence change replaces glycine with arginine at codon 53 of the TYR protein (p.Gly53Arg). The glycine residue is moderately conserved and there is a moderate physicochemical difference between glycine and arginine. This variant is not present in population databases (ExAC no frequency).

Neuberg Centre For Genomic Medicine, NCGM
Classification: Uncertain significance for Oculocutaneous albinism type 1A. Review status: criteria provided, single submitter. Criteria: ACMG Guidelines, 2015. Collection method: clinical testing. Allele origin: germline. Affected: yes.
Comment: The missense variant p.G53R in TYR (NM_000372.5) has not been reported previously as a pathogenic variant nor as a benign variant, to our knowledge. The p.G53R variant is novel (not in any individuals) in gnomAD Exomes and is novel (not in any individuals) in 1000 Genomes. The p.G53R missense variant is predicted to be damaging by both SIFT and PolyPhen2. The glycine residue at codon 53 of TYR is conserved in all mammalian species. The nucleotide c.157 in TYR is predicted conserved by GERP++ and PhyloP across 100 vertebrates. For these reasons, this variant has been classified as Uncertain Significance.

Literature cited by the submitters: PubMed 29345414 (cited by Labcorp Genetics (formerly Invitae), Labcorp); PubMed 31229681 (cited by Labcorp Genetics (formerly Invitae), Labcorp).